The following is an entry in ClinVar:

ClinVar aggregate classification (germline): Benign/Likely benign. Review status: criteria provided, multiple submitters, no conflicts (2 of 4 stars). 3 submissions from 3 submitters: Benign (1); Likely benign (2). Last evaluated 2026-02-08.

Conditions:
Lynch syndrome 5 (LYNCH5). Also called: Colorectal cancer, hereditary nonpolyposis, type 5; Hereditary non-polyposis colorectal cancer, type 5. Identifiers: Orphanet 144, MedGen C1833477, MONDO:0013710, OMIM 614350. Disease mechanism: loss of function.
Hereditary nonpolyposis colorectal neoplasms. Identifiers: MedGen C0009405, MeSH D003123.
Hereditary cancer-predisposing syndrome. Also called: Hereditary Cancer Syndrome; Neoplastic Syndromes, Hereditary; Tumor predisposition; Hereditary neoplastic syndrome. Identifiers: Orphanet 140162, MedGen C0027672, MeSH D009386, MONDO:0015356.

Submissions (3):

Ambry Genetics
Classification: Likely benign for Hereditary cancer-predisposing syndrome. Last evaluated: 2026-02-08. Review status: criteria provided, single submitter. Criteria: Ambry Variant Classification Scheme 2023. Collection method: clinical testing. Allele origin: germline.

Myriad Genetics, Inc.
Classification: Benign for Lynch syndrome 5. Last evaluated: 2025-01-02. Review status: criteria provided, single submitter. Criteria: Myriad Autosomal Dominant, Autosomal Recessive and X-Linked Classification Criteria (2023). Collection method: clinical testing. Allele origin: unknown.
Comment: This variant is considered benign. This variant is a silent/synonymous amino acid change and it is not expected to impact splicing.

Labcorp Genetics (formerly Invitae), Labcorp
Classification: Likely benign for Hereditary nonpolyposis colorectal neoplasms. Last evaluated: 2023-07-20. Review status: criteria provided, single submitter. Criteria: Invitae Variant Classification Sherloc (09022015). Collection method: clinical testing. Allele origin: germline.

NM_000179.3(MSH6):c.2691T>C (p.Asn897=)

Gene: MSH6 (mutS homolog 6; plus strand). Cytogenetic location: 2p16.3.
Variant type: single nucleotide variant.
Coding change: c.2691T>C on transcript NM_000179.3 (MANE Select); coding-DNA position 2691, T replaced by C.
Protein change: p.Asn897=; no amino-acid change (asparagine 897 retained).
Molecular consequence: synonymous variant.
Genome position (GRCh38, 1-based): chr2:47,800,674, T>C. VCF-style: chr2-47800674-T-C. GRCh37 (hg19) VCF-style: chr2-48027813-T-C.
Other names: c.2301T>C, p.Asn767= (NM_001281492.2); c.1785T>C, p.Asn595= (NM_001281493.2, NM_001281494.2); c.2691T>C (NM_000179.2).
Identifiers: ClinVar variation 1085821 (VCV001085821.11), dbSNP rs2104419349, ClinGen allele CA426122038.